The following is an entry in ClinVar:

ClinVar aggregate classification (germline): Uncertain significance (1 of 4 stars; one submission).

Allele frequency attached by ClinVar (database versions not stated): gnomAD exomes below 0.00001; TOPMed below 0.00001.
gnomAD v4.1: 2 of 1,591,932 alleles (0.00013%); highest among the groups gnomAD compares: Non-Finnish European, 0.00017%; no homozygotes.

Submission:

Labcorp Genetics (formerly Invitae), Labcorp
Classification: Uncertain significance. Last evaluated: 2022-03-10. Review status: criteria provided, single submitter. Criteria: Invitae Variant Classification Sherloc (09022015). Collection method: clinical testing. Allele origin: germline.
Comment: In summary, the available evidence is currently insufficient to determine the role of this variant in disease. Therefore, it has been classified as a Variant of Uncertain Significance. Algorithms developed to predict the effect of missense changes on protein structure and function (SIFT, PolyPhen-2, Align-GVGD) all suggest that this variant is likely to be tolerated. This variant has not been reported in the literature in individuals affected with P3H2-related conditions. This variant is not present in population databases (gnomAD no frequency). This sequence change replaces isoleucine, which is neutral and non-polar, with valine, which is neutral and non-polar, at codon 621 of the P3H2 protein (p.Ile621Val).

NM_018192.4(P3H2):c.1861A>G (p.Ile621Val)

Gene: P3H2 (prolyl 3-hydroxylase 2; minus strand). Cytogenetic location: 3q28.
Variant type: single nucleotide variant.
Coding change: c.1861A>G on transcript NM_018192.4 (MANE Select); coding-DNA position 1861, A replaced by G.
Protein change: p.Ile621Val; replaces isoleucine 621 with valine.
Molecular consequence: missense variant.
Genome position (GRCh38, 1-based): chr3:189,970,848, T>C on the plus strand (A>G on the coding strand, the complement: P3H2 is on the minus strand). VCF-style: chr3-189970848-T-C. GRCh37 (hg19) VCF-style: chr3-189688637-T-C.
Other names: c.1318A>G, p.Ile440Val (NM_001134418.2); short protein forms I621V, I440V.
Identifiers: ClinVar variation 1522749 (VCV001522749.8), dbSNP rs1439075333, ClinGen allele CA355752609.